The following is an entry in ClinVar:

NM_001276345.2(TNNT2):c.200-1G>A

Gene: TNNT2 (troponin T2, cardiac type; minus strand). Cytogenetic location: 1q32.1.
Variant type: single nucleotide variant.
Coding change: c.200-1G>A on transcript NM_001276345.2 (MANE Select); the canonical splice acceptor site of the intron before coding-DNA position 200, G replaced by A.
Molecular consequence: splice acceptor variant.
Genome position (GRCh38, 1-based): chr1:201,366,872, C>T on the plus strand (G>A on the coding strand, the complement: TNNT2 is on the minus strand). VCF-style: chr1-201366872-C-T. GRCh37 (hg19) VCF-style: chr1-201336000-C-T.
Other names: c.170-1G>A (NM_001406727.1, NM_001406724.1, NM_001001431.3 and 3 more transcripts); c.155-1G>A (NM_001001432.3, NM_001406728.1); c.167-1G>A (NM_001406725.1); c.197-1G>A (NM_001276346.2); c.200-1G>A (NM_000364.4, NM_001406723.1).
Identifiers: ClinVar variation 1381349 (VCV001381349.6), dbSNP rs2102274124, ClinGen allele CA344206825.

ClinVar aggregate classification (germline): Uncertain significance (1 of 4 stars; one submission).

Conditions:
Dilated cardiomyopathy 1D. Identifiers: Orphanet 154, Orphanet 54260, MedGen C1832243, MONDO:0011095, OMIM 601494.
Cardiomyopathy, familial restrictive, 3. Identifiers: Orphanet 75249, MedGen C2676271, MONDO:0012900, OMIM 612422.
Hypertrophic cardiomyopathy 2. Also called: TNNT2-Related Familial Hypertrophic Cardiomyopathy. Identifiers: MedGen C1861864, MONDO:0007266, OMIM 115195.

Submission:

Labcorp Genetics (formerly Invitae), Labcorp
Classification: Uncertain significance for Cardiomyopathy, familial restrictive, 3; Hypertrophic cardiomyopathy 2; Dilated cardiomyopathy 1D. Last evaluated: 2021-09-15. Review status: criteria provided, single submitter. Criteria: Invitae Variant Classification Sherloc (09022015). Collection method: clinical testing. Allele origin: germline.
Comment: This sequence change affects an acceptor splice site in intron 6 of the TNNT2 gene. It is expected to disrupt RNA splicing. Variants that disrupt the donor or acceptor splice site typically lead to a loss of protein function (PMID: 16199547), however the current clinical and genetic evidence is not sufficient to establish whether loss-of-function variants in TNNT2 cause disease. In summary, the available evidence is currently insufficient to determine the role of this variant in disease. Therefore, it has been classified as a Variant of Uncertain Significance. Algorithms developed to predict the effect of sequence changes on RNA splicing suggest that this variant may disrupt the consensus splice site. This variant has not been reported in the literature in individuals affected with TNNT2-related conditions. This variant is not present in population databases (ExAC no frequency).

Literature cited by the submitters: PubMed 16199547.